The following is an entry in ClinVar:

ClinVar aggregate classification (germline): Uncertain significance. Review status: reviewed by expert panel (3 of 4 stars). 3 submissions from 3 submitters: Uncertain significance (1). 2 of the submissions do not count toward it. Last evaluated 2023-08-04.

Conditions:
CDH1-related diffuse gastric and lobular breast cancer syndrome. Also called: CDH1-related diffuse gastric and lobular breast cancer. Identifiers: MedGen CN311521, MONDO:0100488.
Hereditary cancer-predisposing syndrome. Also called: Hereditary neoplastic syndrome; Neoplastic Syndromes, Hereditary; Tumor predisposition; Hereditary Cancer Syndrome. Identifiers: Orphanet 140162, MedGen C0027672, MeSH D009386, MONDO:0015356.
Hereditary diffuse gastric adenocarcinoma (HDGC). Also called: DIFFUSE GASTRIC AND LOBULAR BREAST CANCER SYNDROME. Identifiers: Orphanet 26106, MedGen C1708349, MONDO:0007648, OMIM 137215.

Submissions (3):

Clingen Gastric Cancer Variant Curation Expert Panel
Classification: Uncertain significance for CDH1-related diffuse gastric and lobular breast cancer syndrome. Last evaluated: 2023-08-04. Review status: reviewed by expert panel. Criteria: ClinGen CDH1 ACMG Specifications V3.1. Collection method: curation. Allele origin: germline. Inheritance: Autosomal dominant inheritance.
Comment: The c.2505_2506dupTG (p.Glu836ValfsTer11) variant results in a premature stop codon that leads to a truncated protein. It is located within the nonsense mediated decay resistant zone, and downstream of codon 836 where the most 3' pathogenic variant in CDH1 terminates (PVS1_Moderate, PMID: 29798843). This variant is absent in the gnomAD cohort (PM2_Supporting). In summary, the clinical significance of this variant is uncertain based on the ACMG/AMP criteria applied as specified by the CDH1 Variant Curation Expert Panel: PVS1_Moderate, PM2_Supporting.

Ambry Genetics
Classification: Uncertain significance for Hereditary cancer-predisposing syndrome. Last evaluated: 2024-04-03. Review status: criteria provided, single submitter. Criteria: Ambry Variant Classification Scheme 2023. Collection method: clinical testing. Allele origin: germline. Not counted in ClinVar's aggregate classification.
Comment: The c.2505_2506dupTG variant, located in coding exon 16 of the CDH1 gene, results from a duplication of TG at nucleotide position 2505, causing a translational frameshift with a predicted alternate stop codon (p.E836Vfs*11). Frameshifts are typically deleterious in nature, however, this frameshift occurs at the 3' terminus of CDH1, is not expected to trigger nonsense-mediated mRNA decay, and impacts only the last 47 amino acids of the protein. The exact functional impact of these altered amino acids is unknown at this time. Since supporting evidence is limited at this time, the clinical significance of this alteration remains unclear.

Myriad Genetics, Inc.
Classification: Likely pathogenic for Hereditary diffuse gastric adenocarcinoma. Last evaluated: 2023-11-20. Review status: criteria provided, single submitter. Criteria: Myriad Autosomal Dominant, Autosomal Recessive and X-Linked Classification Criteria (2023). Collection method: clinical testing. Allele origin: unknown. Not counted in ClinVar's aggregate classification.
Comment: This variant is considered likely pathogenic. This variant creates a frameshift predicted to result in premature protein truncation.

NM_004360.5(CDH1):c.2505_2506dup (p.Glu836fs)

Gene: CDH1 (cadherin 1; plus strand). Cytogenetic location: 16q22.1.
Variant type: Duplication.
Coding change: c.2505_2506dup on transcript NM_004360.5 (MANE Select); coding-DNA positions 2505 to 2506, 2 bases duplicated (TG; older notation c.2505_2506dupTG).
Protein change: p.Glu836fs; shifts the reading frame from glutamic acid 836.
Molecular consequence: frameshift variant.
Genome position (GRCh38, 1-based): chr16:68,833,355-68,833,356, TG duplicated. VCF-style (leftmost placement, unchanged base first): chr16-68833354-A-ATG. GRCh37 (hg19) VCF-style: chr16-68867257-A-ATG.
Other names: c.2505_2506dup (LRG_301t1); c.2322_2323dup, p.Glu775fs (NM_001317184.2); c.957_958dup, p.Glu320fs (NM_001317185.2); c.540_541dup, p.Glu181fs (NM_001317186.2); c.2505_2506dupTG (NM_004360.3); short protein forms E181fs, E320fs, E775fs, E836fs.
Identifiers: ClinVar variation 481173 (VCV000481173.8), dbSNP rs1555518236, ClinGen allele CA658658500.